The following is an entry in ClinVar:

ClinVar aggregate classification (germline): Uncertain significance. Review status: criteria provided, multiple submitters, no conflicts (2 of 4 stars). 2 submissions from 2 submitters: Uncertain significance (2). Last evaluated 2025-08-04.

Conditions:
Cardiovascular phenotype. Identifiers: MedGen CN230736.
Long QT syndrome (LQTS). Identifiers: MedGen C0023976, MeSH D008133, MONDO:0002442. Disease mechanism: loss of function. Inheritance: Various modes of inheritance.

gnomAD v4.1: 2 of 1,584,722 alleles (0.00013%); highest among the groups gnomAD compares: Non-Finnish European, 0.00017%; no homozygotes.

Submissions (2):

Ambry Genetics
Classification: Uncertain significance for Cardiovascular phenotype. Last evaluated: 2025-08-04. Review status: criteria provided, single submitter. Criteria: Ambry Variant Classification Scheme 2023. Collection method: clinical testing. Allele origin: germline.
Comment: The c.5162+3A>G intronic variant results from an A to G substitution 3 nucleotides after coding exon 20 in the AKAP9 gene. This nucleotide position is well conserved in available vertebrate species. In silico splice site analysis predicts that this alteration may result in the creation or strengthening of a novel splice donor site. The evidence for this gene-disease relationship is limited; therefore, the clinical significance of this alteration is unclear.

Labcorp Genetics (formerly Invitae), Labcorp
Classification: Uncertain significance for Long QT syndrome. Last evaluated: 2022-05-03. Review status: criteria provided, single submitter. Criteria: Invitae Variant Classification Sherloc (09022015). Collection method: clinical testing. Allele origin: germline.
Comment: In summary, the available evidence is currently insufficient to determine the role of this variant in disease. Therefore, it has been classified as a Variant of Uncertain Significance. Variants that disrupt the consensus splice site are a relatively common cause of aberrant splicing (PMID: 17576681, 9536098). Algorithms developed to predict the effect of sequence changes on RNA splicing suggest that this variant may create or strengthen a splice site. This variant has not been reported in the literature in individuals affected with AKAP9-related conditions. This variant is not present in population databases (gnomAD no frequency). This sequence change falls in intron 20 of the AKAP9 gene. It does not directly change the encoded amino acid sequence of the AKAP9 protein. It affects a nucleotide within the consensus splice site.

Literature cited by the submitters: PubMed 17576681 (cited by Labcorp Genetics (formerly Invitae), Labcorp); PubMed 9536098 (cited by Labcorp Genetics (formerly Invitae), Labcorp).

NM_005751.5(AKAP9):c.5162+3A>G

Gene: AKAP9 (A-kinase anchoring protein 9; plus strand). Cytogenetic location: 7q21.2.
Variant type: single nucleotide variant.
Coding change: c.5162+3A>G on transcript NM_005751.5 (MANE Select); 3 bases into the intron after coding-DNA position 5162, A replaced by G.
Molecular consequence: intron variant.
Genome position (GRCh38, 1-based): chr7:92,042,774, A>G. VCF-style: chr7-92042774-A-G. GRCh37 (hg19) VCF-style: chr7-91672088-A-G.
Other names: c.5162+3A>G (NM_005751.4, NM_147185.3).
Identifiers: ClinVar variation 2132589 (VCV002132589.5), dbSNP rs938604667, ClinGen allele CA161898051.